The following is an entry in ClinVar:

NM_006922.4(SCN3A):c.3255C>T (p.Ile1085=)

Gene: SCN3A (sodium voltage-gated channel alpha subunit 3; minus strand). Cytogenetic location: 2q24.3.
Variant type: single nucleotide variant.
Coding change: c.3255C>T on transcript NM_006922.4 (MANE Select); coding-DNA position 3255, C replaced by T.
Protein change: p.Ile1085=; no amino-acid change (isoleucine 1085 retained).
Molecular consequence: synonymous variant.
Genome position (GRCh38, 1-based): chr2:165,127,769, G>A on the plus strand (C>T on the coding strand, the complement: SCN3A is on the minus strand). VCF-style: chr2-165127769-G-A. GRCh37 (hg19) VCF-style: chr2-165984279-G-A.
Other names: c.3108C>T, p.Ile1036= (NM_001081676.2, NM_001081677.2).
Identifiers: ClinVar variation 2415735 (VCV002415735.8), dbSNP rs757693494, ClinGen allele CA59732188.

ClinVar aggregate classification (germline): Likely benign. Review status: criteria provided, multiple submitters, no conflicts (2 of 4 stars). 2 submissions from 2 submitters: Likely benign (2). Last evaluated 2026-09-01.

Allele frequency attached by ClinVar (database versions not stated): TOPMed below 0.00001; gnomAD 0.00001.
gnomAD v4.1: 17 of 1,613,984 alleles (0.0011%); highest among the groups gnomAD compares: South Asian, 0.0022%; no homozygotes.

Submissions (2):

CeGaT Center for Human Genetics Tuebingen
Classification: Likely benign. Last evaluated: 2026-09-01. Review status: criteria provided, single submitter. Criteria: CeGaT Center For Human Genetics Tuebingen Variant Classification Criteria Version 2. Collection method: clinical testing. Allele origin: germline. Affected: yes. Observed: 1 variant allele.
Comment: SCN3A: BP4, BP7

Labcorp Genetics (formerly Invitae), Labcorp
Classification: Likely benign. Last evaluated: 2024-11-19. Review status: criteria provided, single submitter. Criteria: Invitae Variant Classification Sherloc (09022015). Collection method: clinical testing. Allele origin: germline.